The following is an entry in ClinVar:

ClinVar aggregate classification (germline): Uncertain significance (1 of 4 stars; one submission).

Conditions:
Glycogen storage disease, type VI (GSD6). Also called: HERS DISEASE; PHOSPHORYLASE DEFICIENCY GLYCOGEN-STORAGE DISEASE OF LIVER; Glycogen storage disease type 6; Hepatic glycogen phosphorylase deficiency; Glycogen storage disease type 6, due to phosphorylation; GSD VI. Identifiers: Orphanet 369, MedGen C0017925, MONDO:0009294, OMIM 232700.

Allele frequency attached by ClinVar (database versions not stated): gnomAD exomes below 0.00001; gnomAD 0.00001; TOPMed 0.00001; 1000 Genomes Project 30x 0.00016; 1000 Genomes Project 0.00020.
gnomAD v4.1: 6 of 1,614,118 alleles (0.00037%); highest among the groups gnomAD compares: Middle Eastern, 0.016%; no homozygotes.

Submission:

Labcorp Genetics (formerly Invitae), Labcorp
Classification: Uncertain significance for Glycogen storage disease, type VI. Last evaluated: 2019-06-14. Review status: criteria provided, single submitter. Criteria: Invitae Variant Classification Sherloc (09022015). Collection method: clinical testing. Allele origin: germline.
Comment: This sequence change replaces threonine with alanine at codon 95 of the PYGL protein (p.Thr95Ala). The threonine residue is highly conserved and there is a small physicochemical difference between threonine and alanine. This variant is not present in population databases (ExAC no frequency). This variant has not been reported in the literature in individuals with PYGL-related conditions. Algorithms developed to predict the effect of missense changes on protein structure and function output the following: SIFT: "Tolerated"; PolyPhen-2: "Benign"; Align-GVGD: "Class C0". The alanine amino acid residue is found in multiple mammalian species, suggesting that this missense change does not adversely affect protein function. These predictions have not been confirmed by published functional studies and their clinical significance is uncertain. In summary, the available evidence is currently insufficient to determine the role of this variant in disease. Therefore, it has been classified as a Variant of Uncertain Significance.

NM_002863.5(PYGL):c.283A>G (p.Thr95Ala)

Gene: PYGL (glycogen phosphorylase L; minus strand). Cytogenetic location: 14q22.1.
Variant type: single nucleotide variant.
Coding change: c.283A>G on transcript NM_002863.5 (MANE Select); coding-DNA position 283, A replaced by G.
Protein change: p.Thr95Ala; replaces threonine 95 with alanine.
Molecular consequence: missense variant. On other transcripts: intron variant (1).
Genome position (GRCh38, 1-based): chr14:50,937,798, T>C on the plus strand (A>G on the coding strand, the complement: PYGL is on the minus strand). VCF-style: chr14-50937798-T-C. GRCh37 (hg19) VCF-style: chr14-51404516-T-C.
Other names: c.244-2613A>G (NM_001163940.2); short protein forms T95A.
Identifiers: ClinVar variation 940766 (VCV000940766.1), dbSNP rs200623468, ClinGen allele CA260843181.
Genomic context (GRCh38, chr14:50,937,798, plus strand): 5'-GGTAAATGGCCTCATCACAGGCATTTTGCAGACCGAGGTTGATCATGGTGTTCTGTAATG[T>C]TCGGCCCATGTAAAATTCCAGAGAGAGGTAATATACCCTCTGAAATAAAGAAAAGAGAGA-3'
Protein context (NP_002854.3, residues 85-105): YLSLEFYMGR[Thr95Ala]LQNTMINLGL